The following is an entry in ClinVar:

NM_006796.3(AFG3L2):c.1496C>T (p.Thr499Ile)

Gene: AFG3L2 (AFG3 like matrix AAA peptidase subunit 2; minus strand). Cytogenetic location: 18p11.21.
Variant type: single nucleotide variant.
Coding change: c.1496C>T on transcript NM_006796.3 (MANE Select); coding-DNA position 1496, C replaced by T.
Protein change: p.Thr499Ile; replaces threonine 499 with isoleucine.
Molecular consequence: missense variant.
Genome position (GRCh38, 1-based): chr18:12,351,141, G>A on the plus strand (C>T on the coding strand, the complement: AFG3L2 is on the minus strand). VCF-style: chr18-12351141-G-A. GRCh37 (hg19) VCF-style: chr18-12351140-G-A.
Other names: short protein forms T499I.
Identifiers: ClinVar variation 1675696 (VCV001675696.33), dbSNP rs2143164464, ClinGen allele CA401951908.
Genomic context (GRCh38, chr18:12,351,141, plus strand): 5'-TCACCTGAAAACCCTGGAGTTAAAGATGCCAGTTTTCTTGCCAATTTATCCTTCTCCAGG[G>A]TACTGTCCAGTTTTAGCGGTCGGAGATGAACTTTGAAAATAGAAGCTCTTCCTTTTATGT-3'
Protein context (NP_006787.2, residues 489-509): VHLRPLKLDS[Thr499Ile]LEKDKLARKL

ClinVar aggregate classification (germline): Uncertain significance (1 of 4 stars; one submission).

Allele frequency attached by ClinVar (database versions not stated): gnomAD exomes below 0.00001.
gnomAD v4.1: 1 of 1,613,968 alleles (0.000062%); highest among the groups gnomAD compares: Non-Finnish European, 0.000085%; no homozygotes.

Submission:

CeGaT Center for Human Genetics Tuebingen
Classification: Uncertain significance. Last evaluated: 2022-03-01. Review status: criteria provided, single submitter. Criteria: CeGaT Center For Human Genetics Tuebingen Variant Classification Criteria Version 2. Collection method: clinical testing. Allele origin: germline. Affected: yes. Observed: 1 variant allele.
Comment: AFG3L2: PM2